The following is an entry in ClinVar:

ClinVar aggregate classification (germline): Uncertain significance (1 of 4 stars; one submission).

gnomAD v4.1: 1 of 1,613,944 alleles (0.000062%); highest among the groups gnomAD compares: Admixed American, 0.0017%; no homozygotes.

Submission:

Labcorp Genetics (formerly Invitae), Labcorp
Classification: Uncertain significance. Last evaluated: 2025-04-16. Review status: criteria provided, single submitter. Criteria: Invitae Variant Classification Sherloc (09022015). Collection method: clinical testing. Allele origin: germline.
Comment: This sequence change replaces isoleucine, which is neutral and non-polar, with valine, which is neutral and non-polar, at codon 531 of the SLC7A14 protein (p.Ile531Val). This variant is present in population databases (no rsID available, gnomAD 0.003%). This variant has not been reported in the literature in individuals affected with SLC7A14-related conditions. ClinVar contains an entry for this variant (Variation ID: 1064051). An algorithm developed to predict the effect of missense changes on protein structure and function (PolyPhen-2) suggests that this variant is likely to be tolerated. In summary, the available evidence is currently insufficient to determine the role of this variant in disease. Therefore, it has been classified as a Variant of Uncertain Significance.

NM_020949.3(SLC7A14):c.1591A>G (p.Ile531Val)

Genes: SLC7A14 (solute carrier family 7 member 14; minus strand), SLC7A14-AS1 (SLC7A14 antisense RNA 1; plus strand). Cytogenetic location: 3q26.2.
Variant type: single nucleotide variant.
Coding change: c.1591A>G on transcript NM_020949.3 (MANE Select); coding-DNA position 1591, A replaced by G.
Protein change: p.Ile531Val; replaces isoleucine 531 with valine.
Molecular consequence: missense variant.
Genome position (GRCh38, 1-based): chr3:170,480,691, T>C on the plus strand (A>G on the coding strand, the complement: SLC7A14 is on the minus strand). VCF-style: chr3-170480691-T-C. GRCh37 (hg19) VCF-style: chr3-170198480-T-C.
Other names: short protein forms I531V.
Identifiers: ClinVar variation 1064051 (VCV001064051.9), dbSNP rs768895376, ClinGen allele CA355489921.